The following is an entry in ClinVar:

NM_001089.3(ABCA3):c.1583C>T (p.Ala528Val)

Gene: ABCA3 (ATP binding cassette subfamily A member 3; minus strand). Cytogenetic location: 16p13.3.
Variant type: single nucleotide variant.
Coding change: c.1583C>T on transcript NM_001089.3 (MANE Select); coding-DNA position 1583, C replaced by T.
Protein change: p.Ala528Val; replaces alanine 528 with valine.
Molecular consequence: missense variant.
Genome position (GRCh38, 1-based): chr16:2,300,033, G>A on the plus strand (C>T on the coding strand, the complement: ABCA3 is on the minus strand). VCF-style: chr16-2300033-G-A. GRCh37 (hg19) VCF-style: chr16-2350034-G-A.
Other names: short protein forms A528V.
Identifiers: ClinVar variation 2620061 (VCV002620061.3), dbSNP rs772713126, ClinGen allele CA276830281.

ClinVar aggregate classification (germline): Uncertain significance. Review status: criteria provided, multiple submitters, no conflicts (2 of 4 stars). 2 submissions from 2 submitters: Uncertain significance (2). Last evaluated 2026-01-26.

Conditions:
Hereditary pulmonary alveolar proteinosis. Also called: Pulmonary surfactant metabolism dysfunction. Identifiers: Orphanet 264675, MedGen C3711368, MONDO:0012580.

Allele frequency attached by ClinVar (database versions not stated): gnomAD exomes 0.00001; gnomAD 0.00002; TOPMed 0.00002.
gnomAD v4.1: 11 of 1,613,084 alleles (0.00068%); highest among the groups gnomAD compares: African/African-American, 0.004%; no homozygotes.

Submissions (2):

Labcorp Genetics (formerly Invitae), Labcorp
Classification: Uncertain significance. Last evaluated: 2026-01-26. Review status: criteria provided, single submitter. Criteria: Invitae Variant Classification Sherloc (09022015). Collection method: clinical testing. Allele origin: germline.
Comment: This sequence change replaces alanine, which is neutral and non-polar, with valine, which is neutral and non-polar, at codon 528 of the ABCA3 protein (p.Ala528Val). This variant is present in population databases (rs772713126, gnomAD 0.002%). This variant has not been reported in the literature in individuals affected with ABCA3-related conditions. ClinVar contains an entry for this variant (Variation ID: 2620061). Invitae Evidence Modeling of protein sequence and biophysical properties (such as structural, functional, and spatial information, amino acid conservation, physicochemical variation, residue mobility, and thermodynamic stability) indicates that this missense variant is not expected to disrupt ABCA3 protein function with a negative predictive value of 80%. In summary, the available evidence is currently insufficient to determine the role of this variant in disease. Therefore, it has been classified as a Variant of Uncertain Significance.

Ambry Genetics
Classification: Uncertain significance for Hereditary pulmonary alveolar proteinosis. Last evaluated: 2023-08-21. Review status: criteria provided, single submitter. Criteria: Ambry Variant Classification Scheme 2023. Collection method: clinical testing. Allele origin: germline.